The following is an entry in ClinVar:

ClinVar aggregate classification (germline): Benign/Likely benign. Review status: criteria provided, multiple submitters, no conflicts (2 of 4 stars). 5 submissions from 5 submitters: Benign (1); Likely benign (4). Last evaluated 2025-11-28.

Conditions:
Hereditary cancer-predisposing syndrome. Also called: Neoplastic Syndromes, Hereditary; Tumor predisposition; Hereditary Cancer Syndrome; Hereditary neoplastic syndrome. Identifiers: Orphanet 140162, MedGen C0027672, MeSH D009386, MONDO:0015356.
Colorectal cancer, susceptibility to, 12 (CRCS12). Also called: COLORECTAL CANCER, SUSCEPTIBILITY TO, ON CHROMOSOME 12q24. Identifiers: Orphanet 220460, MedGen C3554460, MONDO:0014038, OMIM 615083.

Allele frequency attached by ClinVar (database versions not stated): gnomAD exomes below 0.00001; TOPMed below 0.00001; gnomAD 0.00001.
gnomAD v4.1: 6 of 1,614,044 alleles (0.00037%); highest among the groups gnomAD compares: Non-Finnish European, 0.00051%; no homozygotes.

Submissions (5):

Mayo Clinic Laboratories, Mayo Clinic
Classification: Likely benign. Last evaluated: 2025-11-28. Review status: criteria provided, single submitter. Criteria: ACMG Guidelines, 2015. Collection method: clinical testing. Allele origin: germline. Observed: 1 variant allele.
Comment: BP4, BP7

Labcorp Genetics (formerly Invitae), Labcorp
Classification: Likely benign. Last evaluated: 2025-11-17. Review status: criteria provided, single submitter. Criteria: Invitae Variant Classification Sherloc (09022015). Collection method: clinical testing. Allele origin: germline.

Quest Diagnostics Nichols Institute San Juan Capistrano
Classification: Likely benign. Last evaluated: 2025-08-29. Review status: criteria provided, single submitter. Criteria: Quest Diagnostics criteria. Collection method: clinical testing. Allele origin: unknown.

Myriad Genetics, Inc.
Classification: Benign for Colorectal cancer, susceptibility to, 12. Last evaluated: 2025-02-10. Review status: criteria provided, single submitter. Criteria: Myriad Autosomal Dominant, Autosomal Recessive and X-Linked Classification Criteria (2023). Collection method: clinical testing. Allele origin: unknown.
Comment: This variant is considered benign. This variant is a silent/synonymous amino acid change and it is not expected to impact splicing.

Ambry Genetics
Classification: Likely benign for Hereditary cancer-predisposing syndrome. Last evaluated: 2016-03-28. Review status: criteria provided, single submitter. Criteria: Ambry Variant Classification Scheme 2023. Collection method: clinical testing. Allele origin: germline.

NM_006231.4(POLE):c.1200C>T (p.Pro400=)

Gene: POLE (DNA polymerase epsilon, catalytic subunit; minus strand). Cytogenetic location: 12q24.33.
Variant type: single nucleotide variant.
Coding change: c.1200C>T on transcript NM_006231.4 (MANE Select); coding-DNA position 1200, C replaced by T.
Protein change: p.Pro400=; no amino-acid change (proline 400 retained).
Molecular consequence: synonymous variant.
Genome position (GRCh38, 1-based): chr12:132,675,424, G>A on the plus strand (C>T on the coding strand, the complement: POLE is on the minus strand). VCF-style: chr12-132675424-G-A. GRCh37 (hg19) VCF-style: chr12-133252010-G-A.
Other names: p.Pro400=.
Identifiers: ClinVar variation 484457 (VCV000484457.19), dbSNP rs1330997509, ClinGen allele CA482849619.
Genomic context (GRCh38, chr12:132,675,424, plus strand): 5'-GCAGTGAGGAGCCATGCTGCTCTGTGGCCCCTACCTGAGGCAGTCCATGTGGATGCACTG[G>A]GGCGCCTTGTACTCCCCCTGGCTGTCCTTCTGGAAGCCTATCTCCTGCTGCATGCTCAGA-3'
Protein context (NP_006222.2, residues 390-410): QKDSQGEYKA[Pro400=]QCIHMDCLRW